The following is an entry in ClinVar:

NM_012108.4(STAP1):c.104A>G (p.Lys35Arg)

Gene: STAP1 (signal transducing adaptor family member 1; plus strand). Cytogenetic location: 4q13.2.
Variant type: single nucleotide variant.
Coding change: c.104A>G on transcript NM_012108.4 (MANE Select); coding-DNA position 104, A replaced by G.
Protein change: p.Lys35Arg; replaces lysine 35 with arginine.
Molecular consequence: missense variant.
Genome position (GRCh38, 1-based): chr4:67,558,913, A>G. VCF-style: chr4-67558913-A-G. GRCh37 (hg19) VCF-style: chr4-68424631-A-G.
Other names: c.104A>G, p.Lys35Arg (NM_001317769.2); short protein forms K35R.
Identifiers: ClinVar variation 4176146 (VCV004176146.1).
Genomic context (GRCh38, chr4:67,558,913, plus strand): 5'-TCCAGGAAAGGTTAAAGATTACTGCTCTACCTTTGTACTTTGAAGGTTTTTTATTAATCA[A>G]GCGGTCAGGATACCGGGTGAGTCTATAGATGATAATGTTAAACCTAAGACTTCTGTTTTA-3'
Protein context (NP_036240.1, residues 25-45): PLYFEGFLLI[Lys35Arg]RSGYREYEHY

ClinVar aggregate classification (germline): Uncertain significance (1 of 4 stars; one submission).

Submission:

Ambry Genetics
Classification: Uncertain significance. Last evaluated: 2025-06-20. Review status: criteria provided, single submitter. Criteria: Ambry Variant Classification Scheme 2023. Collection method: clinical testing. Allele origin: germline.
Comment: The p.K35R variant (also known as c.104A>G), located in coding exon 1 of the STAP1 gene, results from an A to G substitution at nucleotide position 104. The lysine at codon 35 is replaced by arginine, an amino acid with highly similar properties. This amino acid position is conserved. In addition, this alteration is predicted to be tolerated by in silico analysis. Based on the available evidence, the clinical significance of this variant remains unclear.